The following is an entry in ClinVar:

ClinVar aggregate classification (germline): Uncertain significance (1 of 4 stars; one submission).

gnomAD v4.1: 1 of 1,606,748 alleles (0.000062%); highest among the groups gnomAD compares: South Asian, 0.0011%; no homozygotes.

Submission:

Labcorp Genetics (formerly Invitae), Labcorp
Classification: Uncertain significance. Last evaluated: 2023-11-27. Review status: criteria provided, single submitter. Criteria: Invitae Variant Classification Sherloc (09022015). Collection method: clinical testing. Allele origin: germline.
Comment: This sequence change replaces leucine, which is neutral and non-polar, with methionine, which is neutral and non-polar, at codon 506 of the TAOK2 protein (p.Leu506Met). This variant is not present in population databases (gnomAD no frequency). This variant has not been reported in the literature in individuals affected with TAOK2-related conditions. An algorithm developed to predict the effect of missense changes on protein structure and function (PolyPhen-2) suggests that this variant is likely to be disruptive. In summary, the available evidence is currently insufficient to determine the role of this variant in disease. Therefore, it has been classified as a Variant of Uncertain Significance.

NM_016151.4(TAOK2):c.1516C>A (p.Leu506Met)

Gene: TAOK2 (TAO kinase 2; plus strand). Cytogenetic location: 16p11.2.
Variant type: single nucleotide variant.
Coding change: c.1516C>A on transcript NM_016151.4 (MANE Select); coding-DNA position 1516, C replaced by A.
Protein change: p.Leu506Met; replaces leucine 506 with methionine.
Molecular consequence: missense variant.
Genome position (GRCh38, 1-based): chr16:29,985,306, C>A. VCF-style: chr16-29985306-C-A. GRCh37 (hg19) VCF-style: chr16-29996627-C-A.
Other names: c.1516C>A, p.Leu506Met (NM_001252043.2, NM_004783.4); short protein forms L506M.
Identifiers: ClinVar variation 2695964 (VCV002695964.3), dbSNP rs902708745, ClinGen allele CA395485357.